The following is an entry in ClinVar:

ClinVar aggregate classification (germline): Uncertain significance. Review status: criteria provided, multiple submitters, no conflicts (2 of 4 stars). 2 submissions from 2 submitters: Uncertain significance (2). Last evaluated 2023-09-01.

Conditions:
Hereditary cancer-predisposing syndrome. Also called: Neoplastic Syndromes, Hereditary; Tumor predisposition; Hereditary Cancer Syndrome; Hereditary neoplastic syndrome. Identifiers: Orphanet 140162, MedGen C0027672, MeSH D009386, MONDO:0015356.
Familial adenomatous polyposis 1 (FAP1). Also called: FAMILIAL ADENOMATOUS POLYPOSIS 1, ATTENUATED; POLYPOSIS, ADENOMATOUS INTESTINAL. Identifiers: MedGen C2713442, MONDO:0021056, OMIM 175100. Disease mechanism: loss of function.

Allele frequency attached by ClinVar (database versions not stated): gnomAD exomes below 0.00001.
gnomAD v4.1: 1 of 1,613,790 alleles (0.000062%); highest among the groups gnomAD compares: Non-Finnish European, 0.000085%; no homozygotes.

Submissions (2):

Ambry Genetics
Classification: Uncertain significance for Hereditary cancer-predisposing syndrome. Last evaluated: 2023-09-01. Review status: criteria provided, single submitter. Criteria: Ambry Variant Classification Scheme 2023. Collection method: clinical testing. Allele origin: germline.
Comment: The p.G1921V variant (also known as c.5762G>T), located in coding exon 15 of the APC gene, results from a G to T substitution at nucleotide position 5762. The glycine at codon 1921 is replaced by valine, an amino acid with dissimilar properties. This amino acid position is conserved. In addition, in silico predictors for this gene do not accurately predict pathogenicity. Since supporting evidence is limited at this time, the clinical significance of this alteration remains unclear.

Labcorp Genetics (formerly Invitae), Labcorp
Classification: Uncertain significance for Familial adenomatous polyposis 1. Last evaluated: 2022-07-21. Review status: criteria provided, single submitter. Criteria: Invitae Variant Classification Sherloc (09022015). Collection method: clinical testing. Allele origin: germline.
Comment: In summary, the available evidence is currently insufficient to determine the role of this variant in disease. Therefore, it has been classified as a Variant of Uncertain Significance. Algorithms developed to predict the effect of missense changes on protein structure and function (SIFT, PolyPhen-2, Align-GVGD) all suggest that this variant is likely to be tolerated. This sequence change replaces glycine, which is neutral and non-polar, with valine, which is neutral and non-polar, at codon 1921 of the APC protein (p.Gly1921Val). This variant is not present in population databases (gnomAD no frequency). This variant has not been reported in the literature in individuals affected with APC-related conditions. ClinVar contains an entry for this variant (Variation ID: 188132).

NM_000038.6(APC):c.5762G>T (p.Gly1921Val)

Gene: APC (APC regulator of Wnt signaling pathway; plus strand). Cytogenetic location: 5q22.2.
Variant type: single nucleotide variant.
Coding change: c.5762G>T on transcript NM_000038.6 (MANE Select); coding-DNA position 5762, G replaced by T.
Protein change: p.Gly1921Val; replaces glycine 1921 with valine.
Molecular consequence: missense variant.
Genome position (GRCh38, 1-based): chr5:112,841,356, G>T. VCF-style: chr5-112841356-G-T. GRCh37 (hg19) VCF-style: chr5-112177053-G-T.
Other names: c.5762G>T, p.Gly1921Val (NM_001127510.3, NM_001354895.2); c.5708G>T, p.Gly1903Val (NM_001127511.3); c.5816G>T, p.Gly1939Val (NM_001354896.2); c.5792G>T, p.Gly1931Val (NM_001354897.2); c.5687G>T, p.Gly1896Val (NM_001354898.2); c.5678G>T, p.Gly1893Val (NM_001354899.2); c.5639G>T, p.Gly1880Val (NM_001354900.2); c.5585G>T, p.Gly1862Val (NM_001354901.2); and 5 more; short protein forms G1903V, G1921V, G1761V, G1795V, G1820V, G1896V, G1931V, G1638V.
Identifiers: ClinVar variation 188132 (VCV000188132.10), dbSNP rs786204093, ClinGen allele CA010667.